The following is an entry in ClinVar:

NM_001613.4(ACTA2):c.456C>T (p.Gly152=)

Gene: ACTA2 (actin alpha 2, smooth muscle; minus strand). Cytogenetic location: 10q23.31.
Variant type: single nucleotide variant.
Coding change: c.456C>T on transcript NM_001613.4 (MANE Select); coding-DNA position 456, C replaced by T.
Protein change: p.Gly152=; no amino-acid change (glycine 152 retained).
Molecular consequence: synonymous variant.
Genome position (GRCh38, 1-based): chr10:88,941,389, G>A on the plus strand (C>T on the coding strand, the complement: ACTA2 is on the minus strand). VCF-style: chr10-88941389-G-A. GRCh37 (hg19) VCF-style: chr10-90701146-G-A.
Other names: c.456C>T, p.Gly152= (NM_001141945.3, NM_001320855.2, NM_001406462.1 and 3 more transcripts); c.345C>T, p.Gly115= (NM_001406466.1); c.327C>T, p.Gly109= (NM_001406467.1, NM_001406468.1, NM_001406469.1).
Identifiers: ClinVar variation 877991 (VCV000877991.11), dbSNP rs1845848773, ClinGen allele CA470734714.
Genomic context (GRCh38, chr10:88,941,389, plus strand): 5'-GGCATAGCCCTCATAGATGGGGACATTGTGGGTGACACCATCTCCAGAGTCCAGCACGAT[G>A]CCTGGGAGACAATTGGGCGTGATAAGTCACCATGGCAGCTGGCATGTGGTTACTTGCTGG-3'
Protein context (NP_001604.1, residues 142-162): LSLYASGRTT[Gly152=]IVLDSGDGVT

ClinVar aggregate classification (germline): Conflicting classifications of pathogenicity. Review status: criteria provided, conflicting classifications (1 of 4 stars). 5 submissions from 4 submitters: Uncertain significance (4); Likely benign (1). Last evaluated 2025-11-21.

Conditions:
Familial thoracic aortic aneurysm and aortic dissection (TAAD). Also called: Thoracic aortic aneurysms and dissections. Identifiers: Orphanet 91387, MedGen C4707243, MONDO:0019625.
Multisystemic smooth muscle dysfunction syndrome (SMDYS). Also called: MYDRIASIS, CONGENITAL, WITH PATENT DUCTUS ARTERIOSUS, THORACIC AORTIC ANEURYSM, AND VASCULOPATHY; SMOOTH MUSCLE DYSFUNCTION SYNDROME. Identifiers: Orphanet 404463, MedGen C3151201, MONDO:0013452, OMIM 613834.
Aortic aneurysm, familial thoracic 6 (AAT6). Also called: FAMILIAL THORACIC AORTIC ANEURYSM WITH LIVEDO RETICULARIS AND IRIS FLOCCULI. Identifiers: MedGen C2673186, MONDO:0012730, OMIM 611788.

Allele frequency attached by ClinVar (database versions not stated): gnomAD exomes below 0.00001.
gnomAD v4.1: 1 of 1,613,984 alleles (0.000062%); highest among the groups gnomAD compares: Non-Finnish European, 0.000085%; no homozygotes.

Submissions (5):

Labcorp Genetics (formerly Invitae), Labcorp
Classification: Likely benign for Aortic aneurysm, familial thoracic 6. Last evaluated: 2025-11-21. Review status: criteria provided, single submitter. Criteria: Invitae Variant Classification Sherloc (09022015). Collection method: clinical testing. Allele origin: germline.

All of Us Research Program, National Institutes of Health
Classification: Uncertain significance for Familial thoracic aortic aneurysm and aortic dissection. Last evaluated: 2023-09-04. Review status: criteria provided, single submitter. Criteria: ACMG Guidelines, 2015. Collection method: clinical testing. Allele origin: germline. Inheritance: Autosomal dominant inheritance. Observed: 1 variant allele, 1 heterozygote.
Comment: This variant is located in the ACTA2 protein. To our knowledge, functional studies have not been reported for this variant. This variant has not been reported in individuals affected with ACTA2-related disorders in the literature. This variant has not been identified in the general population by the Genome Aggregation Database (gnomAD). The available evidence is insufficient to determine the role of this variant in disease conclusively. Therefore, this variant is classified as a Variant of Uncertain Significance.

This study involves interpretation of variants in research participants for the purpose of population health screening. Participant phenotype was not available at the time of variant classification. Additional details can be found in publication PMID: 35346344, PMCID: PMC8962531

Color Diagnostics, LLC DBA Color Health
Classification: Uncertain significance for Familial thoracic aortic aneurysm and aortic dissection. Last evaluated: 2023-08-23. Review status: criteria provided, single submitter. Criteria: ACMG Guidelines, 2015. Collection method: clinical testing. Allele origin: germline.
Comment: This variant is located in the ACTA2 protein. To our knowledge, functional studies have not been reported for this variant. This variant has not been reported in individuals affected with ACTA2-related disorders in the literature. This variant has not been identified in the general population by the Genome Aggregation Database (gnomAD). The available evidence is insufficient to determine the role of this variant in disease conclusively. Therefore, this variant is classified as a Variant of Uncertain Significance.

Illumina Laboratory Services, Illumina
Classification: Uncertain significance for Aortic aneurysm, familial thoracic 6. Last evaluated: 2018-01-12. Review status: criteria provided, single submitter. Criteria: ICSL Variant Classification Criteria 13 December 2019. Collection method: clinical testing. Allele origin: germline.

Illumina Laboratory Services, Illumina
Classification: Uncertain significance for Multisystemic smooth muscle dysfunction syndrome. Last evaluated: 2018-01-12. Review status: criteria provided, single submitter. Criteria: ICSL Variant Classification Criteria 13 December 2019. Collection method: clinical testing. Allele origin: germline.